The following is an entry in ClinVar:

NM_000518.4(HBB):c.386C>T (p.Ala129Val)

Genes: HBB (hemoglobin subunit beta; minus strand), LOC107133510 (origin of replication at HBB; plus strand), LOC110006319 (beta-globin gene 3' regulatory region; plus strand). Cytogenetic location: 11p15.4.
Variant type: single nucleotide variant.
Coding change: c.386C>T on transcript NM_000518.4; coding-DNA position 386, C replaced by T.
Protein change: p.Ala129Val; replaces alanine 129 with valine.
Molecular consequence: missense variant (on NM_000518.5).
Genome position (GRCh38, 1-based): chr11:5,225,656, G>A on the plus strand (C>T on the coding strand, the complement: HBB is on the minus strand). VCF-style: chr11-5225656-G-A. GRCh37 (hg19) VCF-style: chr11-5246886-G-A.
Other names: A128V; c.386C>T, p.Ala129Val (NM_000518.5); short protein forms A129V.
Identifiers: ClinVar variation 15583 (VCV000015583.3), dbSNP rs33957286, ClinGen allele CA125488.

ClinVar aggregate classification (germline): Uncertain significance. Review status: criteria provided, single submitter (1 of 4 stars). 2 submissions from 2 submitters: Uncertain significance (1). 1 of the submissions does not count toward it. Last evaluated 2023-04-17.

Conditions:
HEMOGLOBIN SITIA.

Submissions (2):

Women's Health and Genetics/Laboratory Corporation of America, LabCorp
Classification: Uncertain significance. Last evaluated: 2023-04-17. Review status: criteria provided, single submitter. Criteria: LabCorp Variant Classification Summary - May 2015. Collection method: clinical testing. Allele origin: germline.
Comment: Variant summary: HBB c.386C>T (p.Ala129Val) results in a non-conservative amino acid change located in the Globin domain (IPR000971) of the encoded protein sequence. Three of five in-silico tools predict a damaging effect of the variant on protein function. The variant was absent in 251300 control chromosomes. The available data on variant occurrences in the general population are insufficient to allow any conclusion about variant significance. These report(s) do not provide unequivocal conclusions about association of the variant with Beta Thalassemia or Hemoglobinopathy. To our knowledge, no conclusive experimental evidence demonstrating an impact on protein function has been reported. No clinical diagnostic laboratory has submitted clinical-significance assessments for this variant to ClinVar after 2014. Based on the evidence outlined above, the variant was classified as uncertain significance.

OMIM
Classification: other for HEMOGLOBIN SITIA. Last evaluated: 2017-12-12. Review status: no assertion criteria provided. Collection method: literature only. Allele origin: germline. Not counted in ClinVar's aggregate classification.

Literature cited by the submitters: PubMed 11300349 (cited by Women's Health and Genetics/Laboratory Corporation of America, LabCorp and OMIM); PubMed 24099628 (cited by Women's Health and Genetics/Laboratory Corporation of America, LabCorp); PubMed 26123225 (cited by Women's Health and Genetics/Laboratory Corporation of America, LabCorp); PubMed 21692087 (cited by Women's Health and Genetics/Laboratory Corporation of America, LabCorp).